The following is an entry in ClinVar:

ClinVar aggregate classification (germline): Uncertain significance (1 of 4 stars; one submission).

Conditions:
Leigh syndrome (NULS). Also called: Leigh's necrotizing encephalopathy; Leigh's disease; Leigh Syndrome (mtDNA deletion); Leigh Disease; Subacute necrotizing encephalopathy; Necrotizing encephalopathy infantile subacute of Leigh. Identifiers: Orphanet 506, MedGen C2931891, MONDO:0009723, OMIM 256000.

Submission:

Wong Mito Lab, Molecular and Human Genetics, Baylor College of Medicine
Classification: Uncertain significance for Leigh syndrome. Last evaluated: 2019-10-17. Review status: criteria provided, single submitter. Criteria: Modified ACMG Guidelines (Unpublished). Collection method: clinical testing. Allele origin: germline.
Comment: The NC_012920.1:m.11004G>A (YP_003024035.1:p.Arg82His) variant in MTND4 gene is interpretated to be a Uncertain Significance variant based on the modified ACMG guidelines (unpublished). This variant meets the following evidence codes: BP4

NC_012920.1(MT-ND4):m.11004G>A

Gene: MT-ND4 (mitochondrially encoded NADH dehydrogenase 4; plus strand).
Variant type: single nucleotide variant.
Genome position: chrM-11004-G-A.
Identifiers: ClinVar variation 693332 (VCV000693332.1), dbSNP rs1556423880, ClinGen allele CA414807898.